The following is an entry in ClinVar:

ClinVar aggregate classification (germline): Uncertain significance (1 of 4 stars; one submission).

gnomAD v4.1: 20 of 1,613,500 alleles (0.0012%); highest among the groups gnomAD compares: Non-Finnish European, 0.0016%; no homozygotes.

Submission:

Labcorp Genetics (formerly Invitae), Labcorp
Classification: Uncertain significance. Last evaluated: 2024-11-11. Review status: criteria provided, single submitter. Criteria: Invitae Variant Classification Sherloc (09022015). Collection method: clinical testing. Allele origin: germline.
Comment: This sequence change replaces arginine, which is basic and polar, with glutamine, which is neutral and polar, at codon 34 of the ITGB3 protein (p.Arg34Gln). This variant is not present in population databases (gnomAD no frequency). This variant has not been reported in the literature in individuals affected with ITGB3-related conditions. ClinVar contains an entry for this variant (Variation ID: 2037320). Invitae Evidence Modeling of protein sequence and biophysical properties (such as structural, functional, and spatial information, amino acid conservation, physicochemical variation, residue mobility, and thermodynamic stability) has been performed for this missense variant. However, the output from this modeling did not meet the statistical confidence thresholds required to predict the impact of this variant on ITGB3 protein function. In summary, the available evidence is currently insufficient to determine the role of this variant in disease. Therefore, it has been classified as a Variant of Uncertain Significance.

NM_000212.3(ITGB3):c.101G>A (p.Arg34Gln)

Gene: ITGB3 (integrin subunit beta 3; plus strand). Cytogenetic location: 17q21.32.
Variant type: single nucleotide variant.
Coding change: c.101G>A on transcript NM_000212.3 (MANE Select); coding-DNA position 101, G replaced by A.
Protein change: p.Arg34Gln; replaces arginine 34 with glutamine.
Molecular consequence: missense variant.
Genome position (GRCh38, 1-based): chr17:47,274,440, G>A. VCF-style: chr17-47274440-G-A. GRCh37 (hg19) VCF-style: chr17-45351806-G-A.
Other names: short protein forms R34Q.
Identifiers: ClinVar variation 2037320 (VCV002037320.3), dbSNP rs765882558, ClinGen allele CA400031621.